The following is an entry in ClinVar:

ClinVar aggregate classification (germline): Uncertain significance (1 of 4 stars; one submission).

Allele frequency attached by ClinVar (database versions not stated): gnomAD 0.00001; TOPMed 0.00001.
gnomAD v4.1: 4 of 1,613,408 alleles (0.00025%); highest among the groups gnomAD compares: African/African-American, 0.0027%; no homozygotes.

Submission:

Labcorp Genetics (formerly Invitae), Labcorp
Classification: Uncertain significance. Last evaluated: 2022-03-12. Review status: criteria provided, single submitter. Criteria: Invitae Variant Classification Sherloc (09022015). Collection method: clinical testing. Allele origin: germline.
Comment: In summary, the available evidence is currently insufficient to determine the role of this variant in disease. Therefore, it has been classified as a Variant of Uncertain Significance. Algorithms developed to predict the effect of missense changes on protein structure and function (SIFT, PolyPhen-2, Align-GVGD) all suggest that this variant is likely to be tolerated. This variant has not been reported in the literature in individuals affected with SIN3A-related conditions. This variant is present in population databases (no rsID available, gnomAD 0.02%). This sequence change replaces alanine, which is neutral and non-polar, with serine, which is neutral and polar, at codon 1032 of the SIN3A protein (p.Ala1032Ser).

NM_001145358.2(SIN3A):c.3094G>T (p.Ala1032Ser)

Gene: SIN3A (SIN3 transcription regulator family member A; minus strand). Cytogenetic location: 15q24.2.
Variant type: single nucleotide variant.
Coding change: c.3094G>T on transcript NM_001145358.2 (MANE Select); coding-DNA position 3094, G replaced by T.
Protein change: p.Ala1032Ser; replaces alanine 1032 with serine.
Molecular consequence: missense variant.
Genome position (GRCh38, 1-based): chr15:75,384,365, C>A on the plus strand (G>T on the coding strand, the complement: SIN3A is on the minus strand). VCF-style: chr15-75384365-C-A. GRCh37 (hg19) VCF-style: chr15-75676706-C-A.
Other names: c.3094G>T, p.Ala1032Ser (NM_001145357.2, NM_015477.3); short protein forms A1032S.
Identifiers: ClinVar variation 1967462 (VCV001967462.5), dbSNP rs756434325, ClinGen allele CA272901870.